The following is an entry in ClinVar:

NM_012123.4(MTO1):c.1201C>T (p.Arg401Ter)

Gene: MTO1 (mitochondrial tRNA translation optimization 1; plus strand). Cytogenetic location: 6q13.
Variant type: single nucleotide variant.
Coding change: c.1201C>T on transcript NM_012123.4 (MANE Select); coding-DNA position 1201, C replaced by T.
Protein change: p.Arg401Ter; replaces arginine 401 with a stop codon.
Molecular consequence: nonsense.
Genome position (GRCh38, 1-based): chr6:73,480,746, C>T. VCF-style: chr6-73480746-C-T. GRCh37 (hg19) VCF-style: chr6-74190469-C-T.
Other names: c.1201C>T, p.Arg401Ter (NM_001123226.2); c.1276C>T, p.Arg426Ter (NM_133645.3); c.1201C>T (NM_001123226.1); short protein forms R401*, R426*.
Identifiers: ClinVar variation 840849 (VCV000840849.12), dbSNP rs775623164, ClinGen allele CA3889561.
Genomic context (GRCh38, chr6:73,480,746, plus strand): 5'-CAGTATGATTACTTAGATCCCCGTCAGATCACCCCTTCCTTGGAGACTCATTTGGTTCAA[C>T]GACTCTTCTTTGCTGGACAGATCAATGGCACCACTGGTTATGAGGAAGCTGCAGCTCAAG-3'

ClinVar aggregate classification (germline): Conflicting classifications of pathogenicity. Review status: criteria provided, conflicting classifications (1 of 4 stars). 5 submissions from 5 submitters: Pathogenic (2); Likely pathogenic (2); Uncertain significance (1). Last evaluated 2026-01-29.

Conditions:
Mitochondrial hypertrophic cardiomyopathy with lactic acidosis due to MTO1 deficiency. Also called: Combined oxidative phosphorylation deficiency 10; CARDIOMYOPATHY, INFANTILE HYPERTROPHIC MITOCHONDRIAL, AND LACTIC ACIDOSIS. Identifiers: Orphanet 314637, MedGen C4749921, MONDO:0013865, OMIM 614702.
Inborn genetic diseases. Identifiers: MedGen C0950123, MeSH D030342.

Allele frequency attached by ClinVar (database versions not stated): gnomAD exomes 0.00002 and 0.00005; ExAC 0.00004; gnomAD 0.00004; TOPMed 0.00006.
gnomAD v4.1: 42 of 1,613,858 alleles (0.0026%); highest among the groups gnomAD compares: African/African-American, 0.012%; no homozygotes.

Submissions (5):

Labcorp Genetics (formerly Invitae), Labcorp
Classification: Pathogenic for Mitochondrial hypertrophic cardiomyopathy with lactic acidosis due to MTO1 deficiency. Last evaluated: 2026-01-29. Review status: criteria provided, single submitter. Criteria: Invitae Variant Classification Sherloc (09022015). Collection method: clinical testing. Allele origin: germline.
Comment: This sequence change creates a premature translational stop signal (p.Arg401*) in the MTO1 gene. It is expected to result in an absent or disrupted protein product. Loss-of-function variants in MTO1 are known to be pathogenic (PMID: 22608499, 25058219). This variant is present in population databases (rs775623164, gnomAD 0.02%). This variant has not been reported in the literature in individuals affected with MTO1-related conditions. ClinVar contains an entry for this variant (Variation ID: 840849). For these reasons, this variant has been classified as Pathogenic.

GeneDx
Classification: Uncertain significance. Last evaluated: 2026-01-21. Review status: criteria provided, single submitter. Criteria: GeneDx Variant Classification Process June 2021. Collection method: clinical testing. Allele origin: germline.
Comment: Nonsense variant predicted to result in protein truncation or nonsense mediated decay in a gene for which loss of function is a known mechanism of disease; Has not been previously published as pathogenic or benign to our knowledge

Ambry Genetics
Classification: Pathogenic for Inborn genetic diseases. Last evaluated: 2022-01-19. Review status: criteria provided, single submitter. Criteria: Ambry Variant Classification Scheme 2023. Collection method: clinical testing. Allele origin: germline.
Comment: The c.1201C>T (p.R401*) alteration, located in exon 7 (coding exon 7) of the MTO1 gene, consists of a C to T substitution at nucleotide position 1201. This changes the amino acid from an arginine (R) to a stop codon at amino acid position 401. This alteration is expected to result in loss of function by premature protein truncation or nonsense-mediated mRNA decay. Based on the available evidence, this alteration is classified as pathogenic.

Baylor Genetics
Classification: Likely pathogenic for Mitochondrial hypertrophic cardiomyopathy with lactic acidosis due to MTO1 deficiency. Last evaluated: 2021-03-10. Review status: criteria provided, single submitter. Criteria: ACMG Guidelines, 2015. Collection method: clinical testing. Allele origin: unknown.

Knight Diagnostic Laboratories, Oregon Health and Sciences University
Classification: Likely pathogenic for Combined oxidative phosphorylation deficiency 10. Last evaluated: 2019-07-08. Review status: criteria provided, single submitter. Criteria: ACMG Guidelines, 2015. Collection method: clinical testing. Allele origin: germline. Observed: 1 variant allele.

Literature cited by the submitters: PubMed 22608499 (cited by Labcorp Genetics (formerly Invitae), Labcorp); PubMed 25058219 (cited by Labcorp Genetics (formerly Invitae), Labcorp).